The following is an entry in ClinVar:

ClinVar aggregate classification (germline): Uncertain significance (1 of 4 stars; one submission).

Submission:

Labcorp Genetics (formerly Invitae), Labcorp
Classification: Uncertain significance. Last evaluated: 2025-06-09. Review status: criteria provided, single submitter. Criteria: Invitae Variant Classification Sherloc (09022015). Collection method: clinical testing. Allele origin: germline.
Comment: This sequence change replaces threonine, which is neutral and polar, with methionine, which is neutral and non-polar, at codon 351 of the TRPV6 protein (p.Thr351Met). This variant is present in population databases (rs777616496, gnomAD 0.005%). This variant has not been reported in the literature in individuals affected with TRPV6-related conditions. ClinVar contains an entry for this variant (Variation ID: 3710117). Experimental studies and prediction algorithms are not available or were not evaluated, and the functional significance of this variant is currently unknown. In summary, the available evidence is currently insufficient to determine the role of this variant in disease. Therefore, it has been classified as a Variant of Uncertain Significance.

NM_018646.6(TRPV6):c.1052C>T (p.Thr351Met)

Gene: TRPV6 (transient receptor potential cation channel subfamily V member 6; minus strand). Cytogenetic location: 7q34.
Variant type: single nucleotide variant.
Coding change: c.1052C>T on transcript NM_018646.6 (MANE Select); coding-DNA position 1052, C replaced by T.
Protein change: p.Thr351Met; replaces threonine 351 with methionine.
Molecular consequence: missense variant.
Genome position (GRCh38, 1-based): chr7:142,875,658, G>A on the plus strand (C>T on the coding strand, the complement: TRPV6 is on the minus strand). VCF-style: chr7-142875658-G-A. GRCh37 (hg19) VCF-style: chr7-142573411-G-A.
Other names: short protein forms T351M.
Identifiers: ClinVar variation 3710117 (VCV003710117.2).
Genomic context (GRCh38, chr7:142,875,658, plus strand): 5'-ATGCAGAAGTACGGCCGCCCGTACCGCTTCCACTTGAGGCTCACCAGCTCCTTCACCGGC[G>A]TCTGGTCCAGGATCTGGCGAGCCTGCAACAGAAAGAGAACAGGTGGCTCAGAGACCCTGA-3'
Protein context (NP_061116.5, residues 341-361): KREARQILDQ[Thr351Met]PVKELVSLKW